The following is an entry in ClinVar:

ClinVar aggregate classification (germline): Uncertain significance. Review status: criteria provided, multiple submitters, no conflicts (2 of 4 stars). 3 submissions from 3 submitters: Uncertain significance (2). 1 of the submissions does not count toward it. Last evaluated 2024-09-12.

Conditions:
NDUFS3-related disorder. Also called: NDUFS3-Related Disorders; NDUFS3-related condition.

Allele frequency attached by ClinVar (database versions not stated): gnomAD exomes 0.00008 and 0.00024; gnomAD 0.00020 and 0.00025; TOPMed 0.00022; ExAC 0.00026; 1000 Genomes Project 30x 0.00078; 1000 Genomes Project 0.00100.
gnomAD v4.1: 203 of 1,614,086 alleles (0.013%); highest among the groups gnomAD compares: East Asian, 0.13%; 1 homozygote.

Submissions (3):

Blueprint Genetics
Classification: Uncertain significance. Last evaluated: 2024-09-12. Review status: criteria provided, single submitter. Criteria: ACMG Guidelines, 2015. Collection method: clinical testing. Allele origin: germline.

Labcorp Genetics (formerly Invitae), Labcorp
Classification: Uncertain significance. Last evaluated: 2024-01-22. Review status: criteria provided, single submitter. Criteria: Invitae Variant Classification Sherloc (09022015). Collection method: clinical testing. Allele origin: germline.
Comment: This sequence change replaces arginine, which is basic and polar, with cysteine, which is neutral and slightly polar, at codon 246 of the NDUFS3 protein (p.Arg246Cys). This variant is present in population databases (rs376722149, gnomAD 0.2%). This variant has not been reported in the literature in individuals affected with NDUFS3-related conditions. ClinVar contains an entry for this variant (Variation ID: 1360225). An algorithm developed to predict the effect of missense changes on protein structure and function (PolyPhen-2) suggests that this variant is likely to be disruptive. In summary, the available evidence is currently insufficient to determine the role of this variant in disease. Therefore, it has been classified as a Variant of Uncertain Significance.

PreventionGenetics, part of Exact Sciences
Classification: Likely benign for NDUFS3-related condition. Last evaluated: 2023-04-12. Review status: no assertion criteria provided. Collection method: clinical testing. Allele origin: germline. Not counted in ClinVar's aggregate classification.
Comment: This variant is classified as likely benign based on ACMG/AMP sequence variant interpretation guidelines (Richards et al. 2015 PMID: 25741868, with internal and published modifications).

NM_004551.3(NDUFS3):c.736C>T (p.Arg246Cys)

Gene: NDUFS3 (NADH:ubiquinone oxidoreductase core subunit S3; plus strand). Cytogenetic location: 11p11.2.
Variant type: single nucleotide variant.
Coding change: c.736C>T on transcript NM_004551.3 (MANE Select); coding-DNA position 736, C replaced by T.
Protein change: p.Arg246Cys; replaces arginine 246 with cysteine.
Molecular consequence: missense variant.
Genome position (GRCh38, 1-based): chr11:47,584,422, C>T. VCF-style: chr11-47584422-C-T. GRCh37 (hg19) VCF-style: chr11-47605974-C-T.
Other names: c.736C>T (NM_004551.2); short protein forms R246C.
Identifiers: ClinVar variation 1360225 (VCV001360225.7), dbSNP rs376722149, ClinGen allele CA322835.